The following is an entry in ClinVar:

NM_001203.3(BMPR1B):c.77G>C (p.Arg26Pro)

Gene: BMPR1B (bone morphogenetic protein receptor type 1B; plus strand). Cytogenetic location: 4q22.3.
Variant type: single nucleotide variant.
Coding change: c.77G>C on transcript NM_001203.3 (MANE Select); coding-DNA position 77, G replaced by C.
Protein change: p.Arg26Pro; replaces arginine 26 with proline.
Molecular consequence: missense variant.
Genome position (GRCh38, 1-based): chr4:95,104,501, G>C. VCF-style: chr4-95104501-G-C. GRCh37 (hg19) VCF-style: chr4-96025652-G-C.
Other names: c.77G>C, p.Arg26Pro (NM_001256792.2, NM_001256794.1); c.167G>C, p.Arg56Pro (NM_001256793.2); c.77G>C (NM_001203.2); short protein forms R26P, R56P.
Identifiers: ClinVar variation 1298963 (VCV001298963.36), dbSNP rs377000102, ClinGen allele CA3014873.
Genomic context (GRCh38, chr4:95,104,501, plus strand): 5'-CAGGAAAATTAAATGTGGGCACCAAGAAAGAGGATGGTGAGAGTACAGCCCCCACCCCCC[G>C]TCCAAAGGTCTTGCGTTGTAAATGCCACCACCATTGTCCAGAAGACTCAGTCAACAATAT-3'
Protein context (NP_001194.1, residues 16-36): EDGESTAPTP[Arg26Pro]PKVLRCKCHH

ClinVar aggregate classification (germline): Uncertain significance. Review status: criteria provided, multiple submitters, no conflicts (2 of 4 stars). 2 submissions from 2 submitters: Uncertain significance (2). Last evaluated 2022-10-31.

gnomAD v4.1: 30 of 1,612,864 alleles (0.0019%); highest among the groups gnomAD compares: East Asian, 0.04%; no homozygotes.

Submissions (2):

GeneDx
Classification: Uncertain significance. Last evaluated: 2022-10-31. Review status: criteria provided, single submitter. Criteria: GeneDx Variant Classification Process June 2021. Collection method: clinical testing. Allele origin: germline. Affected: yes.
Comment: In silico analysis supports that this missense variant does not alter protein structure/function; Has not been previously published as pathogenic or benign to our knowledge

CeGaT Center for Human Genetics Tuebingen
Classification: Uncertain significance. Last evaluated: 2021-09-01. Review status: criteria provided, single submitter. Criteria: CeGaT Center For Human Genetics Tuebingen Variant Classification Criteria Version 2. Collection method: clinical testing. Allele origin: germline. Affected: yes. Observed: 1 variant allele.